The following is an entry in ClinVar:

NM_006576.4(AVIL):c.2292G>A (p.Leu764=)

Genes: AVIL (advillin; minus strand), TSFM (Ts translation elongation factor, mitochondrial; plus strand). Cytogenetic location: 12q14.1.
Variant type: single nucleotide variant.
Coding change: c.2292G>A on transcript NM_006576.4 (MANE Select); coding-DNA position 2292, G replaced by A.
Protein change: p.Leu764=; no amino-acid change (leucine 764 retained).
Molecular consequence: synonymous variant. On other transcripts: intron variant (1).
Genome position (GRCh38, 1-based): chr12:57,799,849, C>T on the plus strand (G>A on the coding strand, the complement: AVIL is on the minus strand). VCF-style: chr12-57799849-C-T. GRCh37 (hg19) VCF-style: chr12-58193632-C-T.
Other names: c.572-2706C>T (NM_001172697.2).
Identifiers: ClinVar variation 3049077 (VCV003049077.2), dbSNP rs781170350, ClinGen allele CA6659535.
Genomic context (GRCh38, chr12:57,799,849, plus strand): 5'-ACTCACCTCCTTTTTGGCAGGGTTTACATCCTCAGGCAGCTCCTGATTCTGGTTTTTCAA[C>T]AGAACTGCTATAGGGTAATATTTTGGCTCACTGTCATTAGAATTCAGGGAGAGGGTTGCA-3'
Protein context (NP_006567.3, residues 754-774): SEPKYYPIAV[Leu764=]LKNQNQELPE

ClinVar aggregate classification (germline): Likely benign (0 of 4 stars; one submission).

Conditions:
AVIL-related disorder. Also called: AVIL-related condition.

Allele frequency attached by ClinVar (database versions not stated): gnomAD exomes below 0.00001; ExAC 0.00001.
gnomAD v4.1: 5 of 1,614,160 alleles (0.00031%); highest among the groups gnomAD compares: South Asian, 0.0044%; no homozygotes.

Submission:

PreventionGenetics, part of Exact Sciences
Classification: Likely benign for AVIL-related condition. Last evaluated: 2022-12-16. Review status: no assertion criteria provided. Collection method: clinical testing. Allele origin: germline.
Comment: This variant is classified as likely benign based on ACMG/AMP sequence variant interpretation guidelines (Richards et al. 2015 PMID: 25741868, with internal and published modifications).